The following is an entry in ClinVar:

NM_003924.4(PHOX2B):c.732_733insTCG (p.Ala244_Ala245insSer)

Genes: PHOX2B (paired like homeobox 2B; minus strand), LOC110011216 (paired like homeobox 2b polyalanine repeat instability region; plus strand). Cytogenetic location: 4p13.
Variant type: Insertion.
Coding change: c.732_733insTCG on transcript NM_003924.4 (MANE Select); coding-DNA positions 732 to 733, TCG inserted.
Protein change: p.Ala244_Ala245insSer.
Molecular consequence: inframe insertion.
Genome position: GRCh38 VCF-style: chr4-41746019-C-CCGA. GRCh37 (hg19) VCF-style: chr4-41748036-C-CCGA.
Identifiers: ClinVar variation 1041206 (VCV001041206.8), dbSNP rs1733882011, ClinGen allele CA2497074309.

ClinVar aggregate classification (germline): Uncertain significance (1 of 4 stars; one submission).

Conditions:
Haddad syndrome (OHD). Also called: Ondine-Hirschsprung disease. Identifiers: Orphanet 99803, MedGen C1859049, MONDO:0020493.

Submission:

Labcorp Genetics (formerly Invitae), Labcorp
Classification: Uncertain significance for Haddad syndrome. Last evaluated: 2024-06-24. Review status: criteria provided, single submitter. Criteria: Invitae Variant Classification Sherloc (09022015). Collection method: clinical testing. Allele origin: germline.
Comment: This variant, c.732_733insTCG, results in the insertion of 1 amino acid(s) of the PHOX2B protein (p.Ala244_Ala245insSer), but otherwise preserves the integrity of the reading frame. This variant is not present in population databases (gnomAD no frequency). This variant has not been reported in the literature in individuals affected with PHOX2B-related conditions. ClinVar contains an entry for this variant (Variation ID: 1041206). Experimental studies and prediction algorithms are not available or were not evaluated, and the functional significance of this variant is currently unknown. In summary, the available evidence is currently insufficient to determine the role of this variant in disease. Therefore, it has been classified as a Variant of Uncertain Significance.